The following is an entry in ClinVar:

NM_004438.5(EPHA4):c.65G>A (p.Gly22Asp)

Gene: EPHA4 (EPH receptor A4; minus strand). Cytogenetic location: 2q36.1.
Variant type: single nucleotide variant.
Coding change: c.65G>A on transcript NM_004438.5 (MANE Select); coding-DNA position 65, G replaced by A.
Protein change: p.Gly22Asp; replaces glycine 22 with aspartic acid.
Molecular consequence: missense variant. On other transcripts: 5 prime UTR variant (1).
Genome position (GRCh38, 1-based): chr2:221,572,184, C>T on the plus strand (G>A on the coding strand, the complement: EPHA4 is on the minus strand). VCF-style: chr2-221572184-C-T. GRCh37 (hg19) VCF-style: chr2-222436904-C-T.
Other names: c.65G>A, p.Gly22Asp (NM_001304536.2, NM_001363748.2); c.-21G>A (NM_001304537.2); short protein forms G22D.
Identifiers: ClinVar variation 4664719 (VCV004664719.2).

ClinVar aggregate classification (germline): Uncertain significance. Review status: criteria provided, multiple submitters, no conflicts (2 of 4 stars). 2 submissions from 2 submitters: Uncertain significance (2). Last evaluated 2025-11-19.

Submissions (2):

Ambry Genetics
Classification: Uncertain significance. Last evaluated: 2025-11-19. Review status: criteria provided, single submitter. Criteria: Ambry Variant Classification Scheme 2023. Collection method: clinical testing. Allele origin: germline.

Labcorp Genetics (formerly Invitae), Labcorp
Classification: Uncertain significance. Last evaluated: 2025-10-21. Review status: criteria provided, single submitter. Criteria: Invitae Variant Classification Sherloc (09022015). Collection method: clinical testing. Allele origin: germline.
Comment: This sequence change replaces glycine, which is neutral and non-polar, with aspartic acid, which is acidic and polar, at codon 22 of the EPHA4 protein (p.Gly22Asp). This variant is not present in population databases (gnomAD no frequency). This variant has not been reported in the literature in individuals affected with EPHA4-related conditions. An algorithm developed to predict the effect of missense changes on protein structure and function (PolyPhen-2) suggests that this variant is likely to be disruptive. In summary, the available evidence is currently insufficient to determine the role of this variant in disease. Therefore, it has been classified as a Variant of Uncertain Significance.